The following is an entry in ClinVar:

NM_001440.4(EXTL3):c.527G>T (p.Gly176Val)

Gene: EXTL3 (exostosin like glycosyltransferase 3; plus strand). Cytogenetic location: 8p21.1.
Variant type: single nucleotide variant.
Coding change: c.527G>T on transcript NM_001440.4 (MANE Select); coding-DNA position 527, G replaced by T.
Protein change: p.Gly176Val; replaces glycine 176 with valine.
Molecular consequence: missense variant.
Genome position (GRCh38, 1-based): chr8:28,716,586, G>T. VCF-style: chr8-28716586-G-T. GRCh37 (hg19) VCF-style: chr8-28574103-G-T.
Other names: short protein forms G176V.
Identifiers: ClinVar variation 1480775 (VCV001480775.5), dbSNP rs997984760, ClinGen allele CA174385869.
Genomic context (GRCh38, chr8:28,716,586, plus strand): 5'-CCATCCGACTGCTCCCAGAGAAGGACGATGCCGGCCTCCCTCCCCCGAAGGCCACTCGGG[G>T]CTGCCGGCTACACAACTGCTTTGATTATTCTCGTTGCCCTCTCACCTCTGGCTTCCCGGT-3'
Protein context (NP_001431.1, residues 166-186): AGLPPPKATR[Gly176Val]CRLHNCFDYS

ClinVar aggregate classification (germline): Uncertain significance (1 of 4 stars; one submission).

Allele frequency attached by ClinVar (database versions not stated): gnomAD exomes below 0.00001; gnomAD 0.00003; TOPMed 0.00003.
gnomAD v4.1: 8 of 1,614,068 alleles (0.0005%); highest among the groups gnomAD compares: African/African-American, 0.0067%; no homozygotes.

Submission:

Labcorp Genetics (formerly Invitae), Labcorp
Classification: Uncertain significance. Last evaluated: 2021-09-24. Review status: criteria provided, single submitter. Criteria: Invitae Variant Classification Sherloc (09022015). Collection method: clinical testing. Allele origin: germline.
Comment: This sequence change replaces glycine with valine at codon 176 of the EXTL3 protein (p.Gly176Val). The glycine residue is weakly conserved and there is a moderate physicochemical difference between glycine and valine. This variant is not present in population databases (ExAC no frequency). This variant has not been reported in the literature in individuals affected with EXTL3-related conditions. Algorithms developed to predict the effect of missense changes on protein structure and function (SIFT, PolyPhen-2, Align-GVGD) all suggest that this variant is likely to be tolerated. Algorithms developed to predict the effect of sequence changes on RNA splicing suggest that this variant may create or strengthen a splice site. In summary, the available evidence is currently insufficient to determine the role of this variant in disease. Therefore, it has been classified as a Variant of Uncertain Significance.